The following is an entry in ClinVar:

ClinVar aggregate classification (germline): Conflicting classifications of pathogenicity. Review status: criteria provided, conflicting classifications (1 of 4 stars). 2 submissions from 2 submitters: Likely pathogenic (1); Uncertain significance (1). Last evaluated 2017-03-20.

Conditions:
Landau-Kleffner syndrome (FESD). Also called: EPILEPSY, FOCAL, WITH SPEECH DISORDER AND WITH OR WITHOUT MENTAL RETARDATION; APHASIA, ACQUIRED, WITH EPILEPSY. Identifiers: Orphanet 1945, Orphanet 725, Orphanet 98818, MedGen C0282512, MONDO:0009509, OMIM 245570.

Submissions (2):

GeneDx
Classification: Likely pathogenic. Last evaluated: 2017-03-20. Review status: criteria provided, single submitter. Criteria: GeneDx Variant Classification (06012015). Collection method: clinical testing. Allele origin: germline. Affected: yes.
Comment: The H1058Q variant in the GRIN2A gene has not been reported previously as a pathogenic variant, nor as a benign variant, to our knowledge. The H1058Q variant is not observed in large population cohorts (Lek et al., 2016; 1000 Genomes Consortium et al., 2015; Exome Variant Server). The H1058Q variant is a semi-conservative amino acid substitution, which may impact secondary protein structure as these residues differ in some properties. This substitution occurs at a position that is conserved across species. In silico analysis is inconsistent in its predictions as to whether or not the variant is damaging to the protein structure/function. The H1058Q variant is a strong candidate for a pathogenic variant.

Neuberg Centre For Genomic Medicine, NCGM
Classification: Uncertain significance for Landau-Kleffner syndrome. Review status: criteria provided, single submitter. Criteria: ACMG Guidelines, 2015. Collection method: clinical testing. Allele origin: germline. Affected: yes.
Comment: The missense variant p.H1058Q in GRIN2A (NM_000833.5) has been previously submitted to ClinVar as a Likely Pathogenic variant, however no patient details are available to make an independent clinical assesment. It has not been reported in literature in affected individuals.The p.H1058Q variant is novel (not in any individuals) in gnomAD Exomes and is novel (not in any individuals) in 1000 Genomes. In silico tools are conflicting in predictions: SIFT-damaging, Polyphen-2-Tolerated and the residue is weakly conserved across species. For these reasons, this variant has been classified as Uncertain Significance.

NM_001134407.3(GRIN2A):c.3174C>A (p.His1058Gln)

Gene: GRIN2A (glutamate ionotropic receptor NMDA type subunit 2A; minus strand). Cytogenetic location: 16p13.2.
Variant type: single nucleotide variant.
Coding change: c.3174C>A on transcript NM_001134407.3 (MANE Select); coding-DNA position 3174, C replaced by A.
Protein change: p.His1058Gln; replaces histidine 1058 with glutamine.
Molecular consequence: missense variant.
Genome position (GRCh38, 1-based): chr16:9,764,370, G>T on the plus strand (C>A on the coding strand, the complement: GRIN2A is on the minus strand). VCF-style: chr16-9764370-G-T. GRCh37 (hg19) VCF-style: chr16-9858227-G-T.
Other names: c.3174C>A, p.His1058Gln (NM_000833.5, NM_001134408.2); short protein forms H1058Q.
Identifiers: ClinVar variation 423850 (VCV000423850.4), dbSNP rs1064796658, ClinGen allele CA16620319.